The following is an entry in ClinVar:

ClinVar aggregate classification (germline): Pathogenic/Likely pathogenic. Review status: criteria provided, multiple submitters, no conflicts (2 of 4 stars). 2 submissions from 2 submitters: Pathogenic (1); Likely pathogenic (1). Last evaluated 2025-12-10.

Conditions:
TCF12-related disorder. Also called: TCF12-related condition.

Submissions (2):

Labcorp Genetics (formerly Invitae), Labcorp
Classification: Pathogenic. Last evaluated: 2025-12-10. Review status: criteria provided, single submitter. Criteria: Invitae Variant Classification Sherloc (09022015). Collection method: clinical testing. Allele origin: germline.
Comment: This sequence change affects an acceptor splice site in intron 13 of the TCF12 gene. It is expected to disrupt RNA splicing. Variants that disrupt the donor or acceptor splice site typically lead to a loss of protein function (PMID: 16199547), and loss-of-function variants in TCF12 are known to be pathogenic (PMID: 23354436, 32620954). This variant is not present in population databases (gnomAD no frequency). Disruption of this splice site has been observed in individuals with craniosynostosis (PMID: 23354436; internal data). Algorithms developed to predict the effect of sequence changes on RNA splicing suggest that this variant may disrupt the consensus splice site. For these reasons, this variant has been classified as Pathogenic.

Blueprint Genetics
Classification: Likely pathogenic for TCF12-related disorders. Last evaluated: 2022-02-10. Review status: criteria provided, single submitter. Criteria: ACMG Guidelines, 2015. Collection method: clinical testing. Allele origin: germline. Affected: yes. Observed: 1 variant allele.

Literature cited by the submitters: PubMed 16199547 (cited by Labcorp Genetics (formerly Invitae), Labcorp); PubMed 23354436 (cited by Labcorp Genetics (formerly Invitae), Labcorp); PubMed 32620954 (cited by Labcorp Genetics (formerly Invitae), Labcorp).

NM_207037.2(TCF12):c.1115-2A>G

Gene: TCF12 (transcription factor 12; plus strand). Cytogenetic location: 15q21.3.
Variant type: single nucleotide variant.
Coding change: c.1115-2A>G on transcript NM_207037.2 (MANE Select); the canonical splice acceptor site of the intron before coding-DNA position 1115, A replaced by G.
Molecular consequence: splice acceptor variant.
Genome position (GRCh38, 1-based): chr15:57,251,348, A>G. VCF-style: chr15-57251348-A-G. GRCh37 (hg19) VCF-style: chr15-57543546-A-G.
Other names: c.1115-2A>G (NM_001322151.2, NM_001322159.3, NM_001322157.3 and 7 more transcripts); c.941-2A>G (NM_001322156.2, NM_001322158.2); c.458-2A>G (NM_001322154.2); c.1151-2A>G (NM_001322164.2); c.605-2A>G (NM_001306219.3, NM_207040.2); c.407-2A>G (NM_001306220.3).
Identifiers: ClinVar variation 4710186 (VCV004710186.2).